The following is an entry in ClinVar:

NM_024635.4(NAA35):c.11A>C (p.Lys4Thr)

Gene: NAA35 (N-alpha-acetyltransferase 35, NatC auxiliary subunit; plus strand). Cytogenetic location: 9q21.33.
Variant type: single nucleotide variant.
Coding change: c.11A>C on transcript NM_024635.4 (MANE Select); coding-DNA position 11, A replaced by C.
Protein change: p.Lys4Thr; replaces lysine 4 with threonine.
Molecular consequence: missense variant.
Genome position (GRCh38, 1-based): chr9:85,942,170, A>C. VCF-style: chr9-85942170-A-C. GRCh37 (hg19) VCF-style: chr9-88557085-A-C.
Other names: c.11A>C, p.Lys4Thr (NM_001321881.2, NM_001321882.2); short protein forms K4T.
Identifiers: ClinVar variation 4116426 (VCV004116426.2).

ClinVar aggregate classification (germline): Uncertain significance. Review status: criteria provided, multiple submitters, no conflicts (2 of 4 stars). 2 submissions from 2 submitters: Uncertain significance (2). Last evaluated 2025-08-30.

gnomAD v4.1: 10 of 1,613,750 alleles (0.00062%); highest among the groups gnomAD compares: Non-Finnish European, 0.00085%; no homozygotes.

Submissions (2):

Ambry Genetics
Classification: Uncertain significance. Last evaluated: 2025-08-30. Review status: criteria provided, single submitter. Criteria: Ambry Variant Classification Scheme 2023. Collection method: clinical testing. Allele origin: germline.

Labcorp Genetics (formerly Invitae), Labcorp
Classification: Uncertain significance. Last evaluated: 2025-08-12. Review status: criteria provided, single submitter. Criteria: Invitae Variant Classification Sherloc (09022015). Collection method: clinical testing. Allele origin: germline.
Comment: This sequence change replaces lysine, which is basic and polar, with threonine, which is neutral and polar, at codon 4 of the NAA35 protein (p.Lys4Thr). This variant is not present in population databases (gnomAD no frequency). This variant has not been reported in the literature in individuals affected with NAA35-related conditions. An algorithm developed to predict the effect of missense changes on protein structure and function (PolyPhen-2) suggests that this variant is likely to be disruptive. In summary, the available evidence is currently insufficient to determine the role of this variant in disease. Therefore, it has been classified as a Variant of Uncertain Significance.